The following is an entry in ClinVar:

NM_005462.5(MAGEC1):c.919G>A (p.Val307Met)

Gene: MAGEC1 (MAGE family member C1; plus strand). Cytogenetic location: Xq27.2.
Variant type: single nucleotide variant.
Coding change: c.919G>A on transcript NM_005462.5 (MANE Select); coding-DNA position 919, G replaced by A.
Protein change: p.Val307Met; replaces valine 307 with methionine.
Molecular consequence: missense variant.
Genome position (GRCh38, 1-based): chrX:141,906,323, G>A. VCF-style: chrX-141906323-G-A. GRCh37 (hg19) VCF-style: chrX-140994109-G-A.
Other names: short protein forms V307M.
Identifiers: ClinVar variation 3024855 (VCV003024855.22), dbSNP rs879185216, ClinGen allele CA10533432.
Genomic context (GRCh38, chrX:141,906,323, plus strand): 5'-TCCCCTGAGAGAACTCAGAGTACTTTTGAGGGTTTTCCCCAGTCTCCTCTCCAGATTCCT[G>A]TGAGCTCCTCCTCCTCCTCCACTTTATTGAGTCTTTTCCAGAGTTCCCCTGAGAGAACTC-3'
Protein context (NP_005453.2, residues 297-317): GFPQSPLQIP[Val307Met]SSSSSSTLLS

ClinVar aggregate classification (germline): Likely benign (1 of 4 stars; one submission).

Allele frequency attached by ClinVar (database versions not stated): gnomAD 0.00027.

Submission:

CeGaT Center for Human Genetics Tuebingen
Classification: Likely benign. Last evaluated: 2024-01-01. Review status: criteria provided, single submitter. Criteria: CeGaT Center For Human Genetics Tuebingen Variant Classification Criteria Version 2. Collection method: clinical testing. Allele origin: germline. Affected: yes. Observed: 1 variant allele.
Comment: MAGEC1: BP4, BS2